The following is an entry in ClinVar:

NM_001393982.1(ANKRD36C):c.5448A>C (p.Leu1816=)

Gene: ANKRD36C (ankyrin repeat domain 36C; minus strand). Cytogenetic location: 2q11.1.
Variant type: single nucleotide variant.
Coding change: c.5448A>C on transcript NM_001393982.1 (MANE Select); coding-DNA position 5448, A replaced by C.
Protein change: p.Leu1816=; no amino-acid change (leucine 1816 retained).
Molecular consequence: synonymous variant.
Genome position (GRCh38, 1-based): chr2:95,855,836, T>G on the plus strand (A>C on the coding strand, the complement: ANKRD36C is on the minus strand). VCF-style: chr2-95855836-T-G. GRCh37 (hg19) VCF-style: chr2-96521584-T-G.
Other names: c.5523A>C, p.Leu1841= (NM_001310154.3).
Identifiers: ClinVar variation 4280955 (VCV004280955.7).

ClinVar aggregate classification (germline): Likely benign (1 of 4 stars; one submission).

gnomAD v4.1: 37 of 1,613,762 alleles (0.0023%); highest among the groups gnomAD compares: Non-Finnish European, 0.0031%; no homozygotes.

Submission:

CeGaT Center for Human Genetics Tuebingen
Classification: Likely benign. Last evaluated: 2025-09-01. Review status: criteria provided, single submitter. Criteria: CeGaT Center For Human Genetics Tuebingen Variant Classification Criteria Version 2. Collection method: clinical testing. Allele origin: germline. Affected: yes. Observed: 1 variant allele.
Comment: ANKRD36C: BP4, BP7